The following is an entry in ClinVar:

ClinVar aggregate classification (germline): Likely benign. Review status: criteria provided, multiple submitters, no conflicts (2 of 4 stars). 2 submissions from 2 submitters: Likely benign (2). Last evaluated 2025-02-26.

Conditions:
Combined oxidative phosphorylation defect type 27. Also called: Combined oxidative phosphorylation deficiency 27. Identifiers: Orphanet 477774, MedGen C5567608, MONDO:0014728, OMIM 616672.

Allele frequency attached by ClinVar (database versions not stated): gnomAD exomes 0.00001 and 0.00005; ExAC 0.00002; TOPMed 0.00002; gnomAD 0.00003 and 0.00004.
gnomAD v4.1: 80 of 1,613,766 alleles (0.005%); highest among the groups gnomAD compares: Non-Finnish European, 0.0067%; no homozygotes.

Submissions (2):

Labcorp Genetics (formerly Invitae), Labcorp
Classification: Likely benign for Combined oxidative phosphorylation defect type 27. Last evaluated: 2025-02-26. Review status: criteria provided, single submitter. Criteria: Invitae Variant Classification Sherloc (09022015). Collection method: clinical testing. Allele origin: germline.

GeneDx
Classification: Likely benign. Last evaluated: 2016-02-12. Review status: criteria provided, single submitter. Criteria: GeneDx Variant Classification (06012015). Collection method: clinical testing. Allele origin: germline. Affected: yes.
Comment: This variant is considered likely benign or benign based on one or more of the following criteria: it is a conservative change, it occurs at a poorly conserved position in the protein, it is predicted to be benign by multiple in silico algorithms, and/or has population frequency not consistent with disease.

NM_024537.4(CARS2):c.1407A>C (p.Ala469=)

Gene: CARS2 (cysteinyl-tRNA synthetase 2, mitochondrial; minus strand). Cytogenetic location: 13q34.
Variant type: single nucleotide variant.
Coding change: c.1407A>C on transcript NM_024537.4 (MANE Select); coding-DNA position 1407, A replaced by C.
Protein change: p.Ala469=; no amino-acid change (alanine 469 retained).
Molecular consequence: synonymous variant. On other transcripts: non-coding transcript variant (2).
Genome position (GRCh38, 1-based): chr13:110,644,394, T>G on the plus strand (A>C on the coding strand, the complement: CARS2 is on the minus strand). VCF-style: chr13-110644394-T-G. GRCh37 (hg19) VCF-style: chr13-111296741-T-G.
Other names: c.621A>C, p.Ala207= (NM_001352252.2).
Identifiers: ClinVar variation 382640 (VCV000382640.8), dbSNP rs780686611, ClinGen allele CA7051799.